The following is an entry in ClinVar:

ClinVar aggregate classification (germline): Conflicting classifications of pathogenicity. Review status: criteria provided, conflicting classifications (1 of 4 stars). 3 submissions from 3 submitters: Likely pathogenic (1); Uncertain significance (2). Last evaluated 2026-09-17.

Conditions:
Atypical hemolytic-uremic syndrome. Identifiers: Orphanet 2134, MedGen C2931788, MONDO:0016244.
Atypical hemolytic-uremic syndrome with I factor anomaly. Also called: HEMOLYTIC UREMIC SYNDROME, ATYPICAL, SUSCEPTIBILITY TO, 3; AHUS, SUSCEPTIBILITY TO, 3. Identifiers: Orphanet 2134, MedGen C2752039, MONDO:0013041, OMIM 612923.
Inborn genetic diseases. Identifiers: MedGen C0950123, MeSH D030342.

Allele frequency attached by ClinVar (database versions not stated): gnomAD exomes below 0.00001 and 0.00001; ExAC 0.00001.
gnomAD v4.1: 2 of 1,614,168 alleles (0.00012%); highest among the groups gnomAD compares: East Asian, 0.0045%; no homozygotes.

Submissions (3):

Genomenon, Inc
Classification: Likely pathogenic for Atypical hemolytic-uremic syndrome. Last evaluated: 2026-09-17. Review status: criteria provided, single submitter. Criteria: Genomenon Sequence Variant Interpretation Standards - Updated. Collection method: curation. Allele origin: germline. Affected: yes.
Comment: CFI p.Gly371Val (c.1112G>T) is a missense variant that changes the amino acid at codon 371 from Glycine to Valine. This variant has been observed in at least one proband affected with atypical hemolytic-uremic syndrome (PMID:39238643). This variant is located in a mutational hotspot and/or important functional domain. It is absent or not present at a significant frequency in gnomAD. In silico models predict that this variant is possibly or probably damaging. In conclusion, we classify CFI p.Gly371Val (c.1112G>T) as a likely pathogenic variant.

Ambry Genetics
Classification: Uncertain significance for Inborn genetic diseases. Last evaluated: 2025-06-06. Review status: criteria provided, single submitter. Criteria: Ambry Variant Classification Scheme 2023. Collection method: clinical testing. Allele origin: germline.

Illumina Laboratory Services, Illumina
Classification: Uncertain significance for Atypical hemolytic-uremic syndrome with I factor anomaly. Last evaluated: 2018-01-12. Review status: criteria provided, single submitter. Criteria: ICSL Variant Classification Criteria 13 December 2019. Collection method: clinical testing. Allele origin: germline.

Literature cited by the submitters: PubMed 39238643 (cited by Genomenon, Inc).

NM_000204.5(CFI):c.1112G>T (p.Gly371Val)

Gene: CFI (complement factor I; minus strand). Cytogenetic location: 4q25.
Variant type: single nucleotide variant.
Coding change: c.1112G>T on transcript NM_000204.5 (MANE Select); coding-DNA position 1112, G replaced by T.
Protein change: p.Gly371Val; replaces glycine 371 with valine.
Molecular consequence: missense variant. On other transcripts: non-coding transcript variant (3).
Genome position (GRCh38, 1-based): chr4:109,749,254, C>A on the plus strand (G>T on the coding strand, the complement: CFI is on the minus strand). VCF-style: chr4-109749254-C-A. GRCh37 (hg19) VCF-style: chr4-110670410-C-A.
Other names: c.1136G>T, p.Gly379Val (NM_001318057.2, NM_001375278.1); c.1091G>T, p.Gly364Val (NM_001331035.2, NM_001375280.1, NM_001375282.1); c.1112G>T, p.Gly371Val (NM_001375279.1, NM_001375281.1); c.1055G>T, p.Gly352Val (NM_001375283.1); c.503G>T, p.Gly168Val (NM_001375284.1); short protein forms G371V, G379V, G364V, G168V, G352V.
Identifiers: ClinVar variation 347160 (VCV000347160.8), dbSNP rs763931500, ClinGen allele CA3042011.
Genomic context (GRCh38, chr4:109,749,254, plus strand): 5'-AAATTTACTGAAGACATCTTTTACCTGAGACAATGTGCAGCAGTCAGAATCCAACAGCCA[C>A]CAATATAAATTCCCCCACAGGTGATTCCACTGGCATCCTTAATTGCCACCTGCCATGGGA-3'
Protein context (NP_000195.3, residues 361-381): SGITCGGIYI[Gly371Val]GCWILTAAHC